The following is an entry in ClinVar:

ClinVar aggregate classification (germline): Uncertain significance. Review status: criteria provided, multiple submitters, no conflicts (2 of 4 stars). 7 submissions from 7 submitters: Uncertain significance (7). Last evaluated 2026-07-24.

Conditions:
Charcot-Marie-Tooth disease type 4B3. Also called: CHARCOT-MARIE-TOOTH DISEASE, DEMYELINATING, TYPE 4B3; Charcot-Marie-Tooth Neuropathy Type 4B3. Identifiers: Orphanet 363981, MedGen C3695063, MONDO:0014117, OMIM 615284.

Allele frequency attached by ClinVar (database versions not stated): TOPMed 0.00048; gnomAD exomes 0.00054 and 0.00097; gnomAD 0.00056 and 0.00058; ExAC 0.00067; ESP Exome Variant Server 0.00079.
gnomAD v4.1: 1,475 of 1,613,494 alleles (0.091%); highest among the groups gnomAD compares: Non-Finnish European, 0.12%; 2 homozygotes.

Submissions (7):

GeneDx
Classification: Uncertain significance. Last evaluated: 2026-07-24. Review status: criteria provided, single submitter. Criteria: GeneDx Variant Classification Process June 2021. Collection method: clinical testing. Allele origin: germline.
Comment: In silico analysis suggests that this missense variant does not alter protein structure/function; Has not been previously published as pathogenic or benign to our knowledge

Mayo Clinic Laboratories, Mayo Clinic
Classification: Uncertain significance. Last evaluated: 2025-02-07. Review status: criteria provided, single submitter. Criteria: ACMG Guidelines, 2015. Collection method: clinical testing. Allele origin: germline. Observed: 4 variant alleles.

ARUP Laboratories, Molecular Genetics and Genomics, ARUP Laboratories
Classification: Uncertain significance for Charcot-Marie-Tooth disease type 4B3. Last evaluated: 2024-12-09. Review status: criteria provided, single submitter. Criteria: ARUP Molecular Germline Variant Investigation Process 2024. Collection method: clinical testing. Allele origin: germline.
Comment: The SBF1 c.1426A>G; p.Lys476Glu variant (rs9617016), to our knowledge, is not reported in the medical literature but is reported in ClinVar (Variation ID: 1162898). This variant is found in the non-Finnish European population with an allele frequency of 0.11% (141/128386 alleles) in the Genome Aggregation Database. The lysine at codon 476 is moderately conserved, but computational analyses are uncertain whether this variant is neutral or deleterious (REVEL: 0.344). Due to limited information, the clinical significance of the SBF1 variant is uncertain at this time.

Blueprint Genetics
Classification: Uncertain significance. Last evaluated: 2024-09-18. Review status: criteria provided, single submitter. Criteria: ACMG Guidelines, 2015. Collection method: clinical testing. Allele origin: germline.

Ambry Genetics
Classification: Uncertain significance. Last evaluated: 2024-07-19. Review status: criteria provided, single submitter. Criteria: Ambry Variant Classification Scheme 2023. Collection method: clinical testing. Allele origin: germline.

Labcorp Genetics (formerly Invitae), Labcorp
Classification: Uncertain significance. Last evaluated: 2022-10-18. Review status: criteria provided, single submitter. Criteria: Invitae Variant Classification Sherloc (09022015). Collection method: clinical testing. Allele origin: germline.
Comment: This sequence change replaces lysine, which is basic and polar, with glutamic acid, which is acidic and polar, at codon 476 of the SBF1 protein (p.Lys476Glu). This variant is present in population databases (rs9617016, gnomAD 0.1%), and has an allele count higher than expected for a pathogenic variant. This variant has not been reported in the literature in individuals affected with SBF1-related conditions. ClinVar contains an entry for this variant (Variation ID: 1162898). Advanced modeling of protein sequence and biophysical properties (such as structural, functional, and spatial information, amino acid conservation, physicochemical variation, residue mobility, and thermodynamic stability) performed at Invitae indicates that this missense variant is not expected to disrupt SBF1 protein function. In summary, the available evidence is currently insufficient to determine the role of this variant in disease. Therefore, it has been classified as a Variant of Uncertain Significance.

Breakthrough Genomics
Classification: Uncertain significance. Review status: criteria provided, single submitter. Criteria: ACMG Guidelines, 2015. Collection method: not provided. Allele origin: germline. Inheritance: Autosomal dominant inheritance. Affected: yes.

NM_002972.4(SBF1):c.1426A>G (p.Lys476Glu)

Gene: SBF1 (SET binding factor 1; minus strand). Cytogenetic location: 22q13.33.
Variant type: single nucleotide variant.
Coding change: c.1426A>G on transcript NM_002972.4 (MANE Select); coding-DNA position 1426, A replaced by G.
Protein change: p.Lys476Glu; replaces lysine 476 with glutamic acid.
Molecular consequence: missense variant.
Genome position (GRCh38, 1-based): chr22:50,464,824, T>C on the plus strand (A>G on the coding strand, the complement: SBF1 is on the minus strand). VCF-style: chr22-50464824-T-C. GRCh37 (hg19) VCF-style: chr22-50903253-T-C.
Other names: c.1429A>G, p.Lys477Glu (NM_001365819.1); c.1426A>G (NM_002972.2); short protein forms K476E, K477E.
Identifiers: ClinVar variation 1162898 (VCV001162898.17), dbSNP rs9617016, ClinGen allele CA10317681.